The following is an entry in ClinVar:

NM_002755.4(MAP2K1):c.159T>G (p.Phe53Leu)

Gene: MAP2K1 (mitogen-activated protein kinase kinase 1; plus strand). Cytogenetic location: 15q22.31.
Variant type: single nucleotide variant.
Coding change: c.159T>G on transcript NM_002755.4 (MANE Select); coding-DNA position 159, T replaced by G.
Protein change: p.Phe53Leu; replaces phenylalanine 53 with leucine.
Molecular consequence: missense variant.
Genome position (GRCh38, 1-based): chr15:66,435,105, T>G. VCF-style: chr15-66435105-T-G. GRCh37 (hg19) VCF-style: chr15-66727443-T-G.
Other names: short protein forms F53L.
Identifiers: ClinVar variation 4710018 (VCV004710018.1), dbSNP rs1057519908.

ClinVar aggregate classification (germline): Uncertain significance (1 of 4 stars; one submission).

Conditions:
RASopathy. Also called: Noonan spectrum disorder; rasopathies. Identifiers: Orphanet 536391, MedGen C5555857, MONDO:0021060.

Submission:

Labcorp Genetics (formerly Invitae), Labcorp
Classification: Uncertain significance for RASopathy. Last evaluated: 2025-08-25. Review status: criteria provided, single submitter. Criteria: Invitae Variant Classification Sherloc (09022015). Collection method: clinical testing. Allele origin: germline.
Comment: This sequence change replaces phenylalanine, which is neutral and non-polar, with leucine, which is neutral and non-polar, at codon 53 of the MAP2K1 protein (p.Phe53Leu). This variant is not present in population databases (gnomAD no frequency). This missense change has been observed in individual(s) with cardio-facio-cutaneous (CFC) syndrome (PMID: 36054331). Invitae Evidence Modeling of protein sequence and biophysical properties (such as structural, functional, and spatial information, amino acid conservation, physicochemical variation, residue mobility, and thermodynamic stability) has been performed for this missense variant. However, the output from this modeling did not meet the statistical confidence thresholds required to predict the impact of this variant on MAP2K1 protein function. Experimental studies have shown that this missense change affects MAP2K1 function (PMID: 19376813, 25351745, 26324360). This variant disrupts the p.Phe53 amino acid residue in MAP2K1. Other variant(s) that disrupt this residue have been determined to be pathogenic (PMID: 16439621, 19376813). This suggests that this residue is clinically significant, and that variants that disrupt this residue are likely to be disease-causing. In summary, the available evidence is currently insufficient to determine the role of this variant in disease. Therefore, it has been classified as a Variant of Uncertain Significance.

Literature cited by the submitters: PubMed 36054331; PubMed 19376813; PubMed 25351745; PubMed 26324360; PubMed 16439621.